The following is an entry in ClinVar:

NM_020207.7(ERCC6L2):c.472-3C>T

Gene: ERCC6L2 (ERCC excision repair 6 like 2; plus strand). Cytogenetic location: 9q22.32.
Variant type: single nucleotide variant.
Coding change: c.472-3C>T on transcript NM_020207.7 (MANE Select); 3 bases into the intron before coding-DNA position 472, C replaced by T.
Molecular consequence: intron variant.
Genome position (GRCh38, 1-based): chr9:95,897,846, C>T. VCF-style: chr9-95897846-C-T. GRCh37 (hg19) VCF-style: chr9-98660128-C-T.
Other names: c.472-3C>T (NM_001375291.1, NM_001375292.1, NM_001375294.1 and 2 more transcripts).
Identifiers: ClinVar variation 3043378 (VCV003043378.2), dbSNP rs2489988157, ClinGen allele CA2690806803.
Genomic context (GRCh38, chr9:95,897,846, plus strand): 5'-CAGTGAAATTTTGTACGTCATGATACATTATACACAGTGATTGAAAAAGTCTTTTTTCCC[C>T]AGGTTATTTCATTTCTGGCTGCAGTTTTGCATAAAAAGGGAACTCGTGAGGATATTGAAA-3'

ClinVar aggregate classification (germline): Likely benign (0 of 4 stars; one submission).

Conditions:
ERCC6L2-related disorder. Also called: ERCC6L2-related condition.

Allele frequency attached by ClinVar (database versions not stated): gnomAD exomes below 0.00001.
gnomAD v4.1: 2 of 1,610,934 alleles (0.00012%); highest among the groups gnomAD compares: Non-Finnish European, 0.000085%; no homozygotes.

Submission:

PreventionGenetics, part of Exact Sciences
Classification: Likely benign for ERCC6L2-related condition. Last evaluated: 2019-06-27. Review status: no assertion criteria provided. Collection method: clinical testing. Allele origin: germline.
Comment: This variant is classified as likely benign based on ACMG/AMP sequence variant interpretation guidelines (Richards et al. 2015 PMID: 25741868, with internal and published modifications).